The following is an entry in ClinVar:

NM_006231.4(POLE):c.5877A>T (p.Arg1959Ser)

Gene: POLE (DNA polymerase epsilon, catalytic subunit; minus strand). Cytogenetic location: 12q24.33.
Variant type: single nucleotide variant.
Coding change: c.5877A>T on transcript NM_006231.4 (MANE Select); coding-DNA position 5877, A replaced by T.
Protein change: p.Arg1959Ser; replaces arginine 1959 with serine.
Molecular consequence: missense variant.
Genome position (GRCh38, 1-based): chr12:132,634,313, T>A on the plus strand (A>T on the coding strand, the complement: POLE is on the minus strand). VCF-style: chr12-132634313-T-A. GRCh37 (hg19) VCF-style: chr12-133210899-T-A.
Other names: short protein forms R1959S.
Identifiers: ClinVar variation 2561535 (VCV002561535.2), dbSNP rs2541860177, ClinGen allele CA387371689.

ClinVar aggregate classification (germline): Uncertain significance (1 of 4 stars; one submission).

Conditions:
Hereditary cancer-predisposing syndrome. Also called: Neoplastic Syndromes, Hereditary; Hereditary Cancer Syndrome; Hereditary neoplastic syndrome; Tumor predisposition. Identifiers: Orphanet 140162, MedGen C0027672, MeSH D009386, MONDO:0015356.

Submission:

Ambry Genetics
Classification: Uncertain significance for Hereditary cancer-predisposing syndrome. Last evaluated: 2023-05-02. Review status: criteria provided, single submitter. Criteria: Ambry Variant Classification Scheme 2023. Collection method: clinical testing. Allele origin: germline.
Comment: The p.R1959S variant (also known as c.5877A>T), located in coding exon 43 of the POLE gene, results from an A to T substitution at nucleotide position 5877. The arginine at codon 1959 is replaced by serine, an amino acid with dissimilar properties. This amino acid position is conserved. In addition, this alteration is predicted to be tolerated by in silico analysis. Since supporting evidence is limited at this time, the clinical significance of this alteration remains unclear.